The following is an entry in ClinVar:

ClinVar aggregate classification (germline): Uncertain significance. Review status: criteria provided, multiple submitters, no conflicts (2 of 4 stars). 4 submissions from 4 submitters: Uncertain significance (4). Last evaluated 2025-03-14.

Conditions:
Sessile serrated polyposis cancer syndrome (SSPCS). Identifiers: Orphanet 157798, MedGen C4310714, MONDO:0014919, OMIM 617108.

Allele frequency attached by ClinVar (database versions not stated): gnomAD exomes below 0.00001; TOPMed below 0.00001; gnomAD 0.00003.
gnomAD v4.1: 10 of 1,613,992 alleles (0.00062%); highest among the groups gnomAD compares: Middle Eastern, 0.016%; no homozygotes.

Submissions (4):

Ambry Genetics
Classification: Uncertain significance. Last evaluated: 2025-03-14. Review status: criteria provided, single submitter. Criteria: Ambry Variant Classification Scheme 2023. Collection method: clinical testing. Allele origin: germline.
Comment: The p.R296C variant (also known as c.886C>T), located in coding exon 7 of the RNF43 gene, results from a C to T substitution at nucleotide position 886. The arginine at codon 296 is replaced by cysteine, an amino acid with highly dissimilar properties. This amino acid position is well conserved in available vertebrate species. In addition, the in silico prediction for this alteration is inconclusive. The evidence for this gene-disease relationship is limited; therefore, the clinical significance of this alteration is unclear.

Baylor Genetics
Classification: Uncertain significance for Sessile serrated polyposis cancer syndrome. Last evaluated: 2024-01-31. Review status: criteria provided, single submitter. Criteria: ACMG Guidelines, 2015. Collection method: clinical testing. Allele origin: unknown.

Fulgent Genetics
Classification: Uncertain significance for Sessile serrated polyposis cancer syndrome. Last evaluated: 2024-01-23. Review status: criteria provided, single submitter. Criteria: ACMG Guidelines, 2015. Collection method: clinical testing. Allele origin: germline.

Labcorp Genetics (formerly Invitae), Labcorp
Classification: Uncertain significance. Last evaluated: 2023-01-10. Review status: criteria provided, single submitter. Criteria: Invitae Variant Classification Sherloc (09022015). Collection method: clinical testing. Allele origin: germline.
Comment: In summary, the available evidence is currently insufficient to determine the role of this variant in disease. Therefore, it has been classified as a Variant of Uncertain Significance. Algorithms developed to predict the effect of missense changes on protein structure and function (SIFT, PolyPhen-2, Align-GVGD) all suggest that this variant is likely to be disruptive. This variant has not been reported in the literature in individuals affected with RNF43-related conditions. This variant is present in population databases (no rsID available, gnomAD 0.005%). This sequence change replaces arginine, which is basic and polar, with cysteine, which is neutral and slightly polar, at codon 296 of the RNF43 protein (p.Arg296Cys).

NM_017763.6(RNF43):c.886C>T (p.Arg296Cys)

Gene: RNF43 (ring finger protein 43; minus strand). Cytogenetic location: 17q22.
Variant type: single nucleotide variant.
Coding change: c.886C>T on transcript NM_017763.6 (MANE Select); coding-DNA position 886, C replaced by T.
Protein change: p.Arg296Cys; replaces arginine 296 with cysteine.
Molecular consequence: missense variant.
Genome position (GRCh38, 1-based): chr17:58,360,215, G>A on the plus strand (C>T on the coding strand, the complement: RNF43 is on the minus strand). VCF-style: chr17-58360215-G-A. GRCh37 (hg19) VCF-style: chr17-56437576-G-A.
Other names: c.886C>T (NM_017763.4); c.886C>T, p.Arg296Cys (NM_001305544.3); c.505C>T, p.Arg169Cys (NM_001305545.2); short protein forms R169C, R296C.
Identifiers: ClinVar variation 2905308 (VCV002905308.6), dbSNP rs1318890868, ClinGen allele CA400333486.